The following is an entry in ClinVar:

NM_015346.4(ZFYVE26):c.6193G>T (p.Ala2065Ser)

Gene: ZFYVE26 (zinc finger FYVE-type containing 26; minus strand). Cytogenetic location: 14q24.1.
Variant type: single nucleotide variant.
Coding change: c.6193G>T on transcript NM_015346.4 (MANE Select); coding-DNA position 6193, G replaced by T.
Protein change: p.Ala2065Ser; replaces alanine 2065 with serine.
Molecular consequence: missense variant.
Genome position (GRCh38, 1-based): chr14:67,762,379, C>A on the plus strand (G>T on the coding strand, the complement: ZFYVE26 is on the minus strand). VCF-style: chr14-67762379-C-A. GRCh37 (hg19) VCF-style: chr14-68229096-C-A.
Other names: short protein forms A2065S.
Identifiers: ClinVar variation 2181705 (VCV002181705.3), dbSNP rs781144742, ClinGen allele CA7239285.

ClinVar aggregate classification (germline): Uncertain significance (1 of 4 stars; one submission).

Conditions:
Spastic paraplegia. Identifiers: MedGen C0037772, HP:0001258.

Allele frequency attached by ClinVar (database versions not stated): gnomAD 0.00001; TOPMed 0.00003; ExAC 0.00005.
gnomAD v4.1: 47 of 1,614,006 alleles (0.0029%); highest among the groups gnomAD compares: Middle Eastern, 0.033%; no homozygotes.

Submission:

Labcorp Genetics (formerly Invitae), Labcorp
Classification: Uncertain significance for Spastic paraplegia. Last evaluated: 2024-10-22. Review status: criteria provided, single submitter. Criteria: Invitae Variant Classification Sherloc (09022015). Collection method: clinical testing. Allele origin: germline.
Comment: This sequence change replaces alanine, which is neutral and non-polar, with serine, which is neutral and polar, at codon 2065 of the ZFYVE26 protein (p.Ala2065Ser). This variant is present in population databases (rs781144742, gnomAD 0.01%). This variant has not been reported in the literature in individuals affected with ZFYVE26-related conditions. ClinVar contains an entry for this variant (Variation ID: 2181705). An algorithm developed to predict the effect of missense changes on protein structure and function (PolyPhen-2) suggests that this variant is likely to be disruptive. In summary, the available evidence is currently insufficient to determine the role of this variant in disease. Therefore, it has been classified as a Variant of Uncertain Significance.